The following is an entry in ClinVar:

ClinVar aggregate classification (germline): Uncertain significance. Review status: criteria provided, multiple submitters, no conflicts (2 of 4 stars). 2 submissions from 2 submitters: Uncertain significance (2). Last evaluated 2023-07-10.

Conditions:
Autoinflammation-PLCG2-associated antibody deficiency-immune dysregulation. Also called: AUTOINFLAMMATION, ANTIBODY DEFICIENCY, AND IMMUNE DYSREGULATION; Autoinflammation, antibody deficiency, and immune dysregulation syndrome; Autoinflammation, antibody deficiency, and immune dysregulation, plcg2-associated. Identifiers: Orphanet 324530, MedGen C3553961, MONDO:0013944, OMIM 614878.
Familial cold autoinflammatory syndrome 3 (FCAS3). Also called: FAMILIAL ATYPICAL COLD URTICARIA; ANTIBODY DEFICIENCY AND IMMUNE DYSREGULATION, PLCG2-ASSOCIATED. Identifiers: Orphanet 300359, MedGen C3280914, MONDO:0013766, OMIM 614468.

Allele frequency attached by ClinVar (database versions not stated): gnomAD exomes below 0.00001; TOPMed 0.00002.
gnomAD v4.1: 3 of 1,613,964 alleles (0.00019%); highest among the groups gnomAD compares: Non-Finnish European, 0.00025%; no homozygotes.

Submissions (2):

Department of Human Genetics, Hannover Medical School
Classification: Uncertain significance for Autoinflammation-PLCG2-associated antibody deficiency-immune dysregulation. Last evaluated: 2023-07-10. Review status: criteria provided, single submitter. Criteria: ACMG Guidelines, 2015. Collection method: clinical testing. Allele origin: germline. Affected: yes.

Labcorp Genetics (formerly Invitae), Labcorp
Classification: Uncertain significance for Familial cold autoinflammatory syndrome 3. Last evaluated: 2023-06-14. Review status: criteria provided, single submitter. Criteria: Invitae Variant Classification Sherloc (09022015). Collection method: clinical testing. Allele origin: germline.
Comment: This sequence change replaces isoleucine, which is neutral and non-polar, with valine, which is neutral and non-polar, at codon 509 of the PLCG2 protein (p.Ile509Val). This variant is present in population databases (no rsID available, gnomAD 0.0009%). This variant has not been reported in the literature in individuals affected with PLCG2-related conditions. An algorithm developed to predict the effect of missense changes on protein structure and function (PolyPhen-2) suggests that this variant is likely to be tolerated. In summary, the available evidence is currently insufficient to determine the role of this variant in disease. Therefore, it has been classified as a Variant of Uncertain Significance.

NM_002661.5(PLCG2):c.1525A>G (p.Ile509Val)

Gene: PLCG2 (phospholipase C gamma 2; plus strand). Cytogenetic location: 16q23.3.
Variant type: single nucleotide variant.
Coding change: c.1525A>G on transcript NM_002661.5 (MANE Select); coding-DNA position 1525, A replaced by G.
Protein change: p.Ile509Val; replaces isoleucine 509 with valine.
Molecular consequence: missense variant.
Genome position (GRCh38, 1-based): chr16:81,907,742, A>G. VCF-style: chr16-81907742-A-G. GRCh37 (hg19) VCF-style: chr16-81941347-A-G.
Other names: short protein forms I509V.
Identifiers: ClinVar variation 2571391 (VCV002571391.4), dbSNP rs1255609965, ClinGen allele CA396899960.
Genomic context (GRCh38, chr16:81,907,742, plus strand): 5'-TAGAAATGGACTCGGCACTACTGCGCCATTGCCGATGCCAAGCTGTCCTTCAGTGATGAC[A>G]TTGAACAGACTATGGAGGAGGAAGTGCCCCAGGTAGGGGGACACCCTAGCCACATAGGGA-3'
Protein context (NP_002652.2, residues 499-519): ADAKLSFSDD[Ile509Val]EQTMEEEVPQ